The following is an entry in ClinVar:

NM_001365536.1(SCN9A):c.2113G>A (p.Glu705Lys)

Genes: SCN1A-AS1 (SCN1A and SCN9A antisense RNA 1; plus strand), SCN9A (sodium voltage-gated channel alpha subunit 9; minus strand). Cytogenetic location: 2q24.3.
Variant type: single nucleotide variant.
Coding change: c.2113G>A on transcript NM_001365536.1 (MANE Select); coding-DNA position 2113, G replaced by A.
Protein change: p.Glu705Lys; replaces glutamic acid 705 with lysine.
Molecular consequence: missense variant.
Genome position (GRCh38, 1-based): chr2:166,280,587, C>T on the plus strand (G>A on the coding strand, the complement: SCN9A is on the minus strand). VCF-style: chr2-166280587-C-T. GRCh37 (hg19) VCF-style: chr2-167137097-C-T.
Other names: c.2080G>A, p.Glu694Lys (NM_002977.4); short protein forms E694K, E705K.
Identifiers: ClinVar variation 1801903 (VCV001801903.1), dbSNP rs1373294185, ClinGen allele CA349080740.
Genomic context (GRCh38, chr2:166,280,587, plus strand): 5'-TCCAGATCAAGAATTTGTGTGCAAATCTGTACCACCAAGGTGGACATTTTTGTCTGGACT[C>T]TTCAAGTTCTGGGAGAAAAAAGCAGAGAACATGGAGTCAGCCATTTGTCTGTTTCACTCC-3'
Protein context (NP_001352465.1, residues 695-715): ILTNTVEELE[Glu705Lys]SRQKCPPWWY

ClinVar aggregate classification (germline): Uncertain significance (1 of 4 stars; one submission).

Allele frequency attached by ClinVar (database versions not stated): gnomAD exomes below 0.00001.
gnomAD v4.1: 1 of 1,565,696 alleles (0.000064%); highest among the groups gnomAD compares: Middle Eastern, 0.017%; no homozygotes.

Submission:

GeneDx
Classification: Uncertain significance. Last evaluated: 2022-06-01. Review status: criteria provided, single submitter. Criteria: GeneDx Variant Classification Process June 2021. Collection method: clinical testing. Allele origin: germline. Affected: yes.
Comment: Not observed at significant frequency in large population cohorts (gnomAD); In silico analysis supports that this missense variant has a deleterious effect on protein structure/function; Has not been previously published as pathogenic or benign to our knowledge